The following is an entry in ClinVar:

NM_001361.5(DHODH):c.1124C>T (p.Ala375Val)

Genes: DHODH (dihydroorotate dehydrogenase (quinone); plus strand), LOC126862390 (MED14-independent group 3 enhancer GRCh37_chr16:72057307-72058506; plus strand). Cytogenetic location: 16q22.2.
Variant type: single nucleotide variant.
Coding change: c.1124C>T on transcript NM_001361.5 (MANE Select); coding-DNA position 1124, C replaced by T.
Protein change: p.Ala375Val; replaces alanine 375 with valine.
Molecular consequence: missense variant.
Genome position (GRCh38, 1-based): chr16:72,023,624, C>T. VCF-style: chr16-72023624-C-T. GRCh37 (hg19) VCF-style: chr16-72057523-C-T.
Other names: short protein forms A375V.
Identifiers: ClinVar variation 3665958 (VCV003665958.2).

ClinVar aggregate classification (germline): Uncertain significance (1 of 4 stars; one submission).

gnomAD v4.1: 17 of 1,613,788 alleles (0.0011%); highest among the groups gnomAD compares: Admixed American, 0.022%; no homozygotes.

Submission:

Labcorp Genetics (formerly Invitae), Labcorp
Classification: Uncertain significance. Last evaluated: 2024-03-15. Review status: criteria provided, single submitter. Criteria: Invitae Variant Classification Sherloc (09022015). Collection method: clinical testing. Allele origin: germline.
Comment: This sequence change replaces alanine, which is neutral and non-polar, with valine, which is neutral and non-polar, at codon 375 of the DHODH protein (p.Ala375Val). This variant is present in population databases (rs746763987, gnomAD 0.04%). This variant has not been reported in the literature in individuals affected with DHODH-related conditions. Advanced modeling of protein sequence and biophysical properties (such as structural, functional, and spatial information, amino acid conservation, physicochemical variation, residue mobility, and thermodynamic stability) performed at Invitae indicates that this missense variant is not expected to disrupt DHODH protein function with a negative predictive value of 80%. In summary, the available evidence is currently insufficient to determine the role of this variant in disease. Therefore, it has been classified as a Variant of Uncertain Significance.